The following is an entry in ClinVar:

ClinVar aggregate classification (germline): Uncertain significance (1 of 4 stars; one submission).

Conditions:
Hereditary cancer-predisposing syndrome. Also called: Neoplastic Syndromes, Hereditary; Hereditary Cancer Syndrome; Hereditary neoplastic syndrome; Tumor predisposition. Identifiers: Orphanet 140162, MedGen C0027672, MeSH D009386, MONDO:0015356.

Submission:

Ambry Genetics
Classification: Uncertain significance for Hereditary cancer-predisposing syndrome. Last evaluated: 2023-04-25. Review status: criteria provided, single submitter. Criteria: Ambry Variant Classification Scheme 2023. Collection method: clinical testing. Allele origin: germline.
Comment: The p.F1125S variant (also known as c.3374T>C), located in coding exon 10 of the BRCA2 gene, results from a T to C substitution at nucleotide position 3374. The phenylalanine at codon 1125 is replaced by serine, an amino acid with highly dissimilar properties. This amino acid position is conserved. In addition, the in silico prediction for this alteration is inconclusive. Since supporting evidence is limited at this time, the clinical significance of this alteration remains unclear.

NM_000059.4(BRCA2):c.3374T>C (p.Phe1125Ser)

Gene: BRCA2 (BRCA2 DNA repair associated; plus strand). Cytogenetic location: 13q13.1.
Variant type: single nucleotide variant.
Coding change: c.3374T>C on transcript NM_000059.4 (MANE Select); coding-DNA position 3374, T replaced by C.
Protein change: p.Phe1125Ser; replaces phenylalanine 1125 with serine.
Molecular consequence: missense variant. On other transcripts: non-coding transcript variant (1), intron variant (2).
Genome position (GRCh38, 1-based): chr13:32,337,729, T>C. VCF-style: chr13-32337729-T-C. GRCh37 (hg19) VCF-style: chr13-32911866-T-C.
Other names: c.3374T>C, p.Phe1125Ser (NM_001406719.1, NM_001406720.1); c.1909+4342T>C (NM_001406721.1); c.424+6699T>C (NM_001406722.1); short protein forms F1125S.
Identifiers: ClinVar variation 2566003 (VCV002566003.2), dbSNP rs2137495934, ClinGen allele CA387776411.